The following is an entry in ClinVar:

ClinVar aggregate classification (germline): Uncertain significance (1 of 4 stars; one submission).

Submission:

CeGaT Center for Human Genetics Tuebingen
Classification: Uncertain significance. Last evaluated: 2026-05-01. Review status: criteria provided, single submitter. Criteria: CeGaT Center For Human Genetics Tuebingen Variant Classification Criteria Version 2. Collection method: clinical testing. Allele origin: germline. Affected: yes. Observed: 1 variant allele.
Comment: MYCBP2: PM2, PVS1:Moderate

NM_015057.5(MYCBP2):c.13826dup (p.Cys4610fs)

Gene: MYCBP2 (MYC binding protein 2; minus strand). Cytogenetic location: 13q22.3.
Variant type: Duplication.
Coding change: c.13826dup on transcript NM_015057.5 (MANE Select); coding-DNA position 13826, one base duplicated (T; older notation c.13826dupT).
Protein change: p.Cys4610fs; shifts the reading frame from cysteine 4610.
Molecular consequence: frameshift variant.
Genome position (GRCh38, 1-based): chr13:77,051,092, A duplicated on the plus strand (T on the coding strand, the reverse complement: MYCBP2 is on the minus strand); the first of 7 consecutive A bases (chr13:77,051,092-77,051,098); duplicating any one gives the same sequence. VCF-style (leftmost placement, unchanged base first): chr13-77051091-G-GA. GRCh37 (hg19) VCF-style: chr13-77625226-G-GA.
Other names: short protein forms C4610fs.
Identifiers: ClinVar variation 4874803 (VCV004874803.2).